The following is an entry in ClinVar:

ClinVar aggregate classification (germline): Uncertain significance. Review status: criteria provided, multiple submitters, no conflicts (2 of 4 stars). 6 submissions from 6 submitters: Uncertain significance (6). Last evaluated 2024-10-29.

Conditions:
Hereditary cancer-predisposing syndrome. Also called: Tumor predisposition; Neoplastic Syndromes, Hereditary; Hereditary neoplastic syndrome; Hereditary Cancer Syndrome. Identifiers: Orphanet 140162, MedGen C0027672, MeSH D009386, MONDO:0015356.
PALB2-related disorder. Also called: PALB2-related disorders; PALB2-related condition.
Hereditary cancer. Identifiers: MedGen C1333600.
Familial cancer of breast. Also called: hereditary breast carcinoma; BREAST CANCER, FAMILIAL; Hereditary breast cancer. Identifiers: Orphanet 227535, MedGen C0346153, MONDO:0016419, OMIM 114480. Disease mechanism: loss of function.

Submissions (6):

Labcorp Genetics (formerly Invitae), Labcorp
Classification: Uncertain significance for Familial cancer of breast. Last evaluated: 2024-10-29. Review status: criteria provided, single submitter. Criteria: Invitae Variant Classification Sherloc (09022015). Collection method: clinical testing. Allele origin: germline.
Comment: This sequence change replaces serine, which is neutral and polar, with leucine, which is neutral and non-polar, at codon 64 of the PALB2 protein (p.Ser64Leu). This variant is not present in population databases (gnomAD no frequency). This missense change has been observed in individual(s) with pancreatic cancer (PMID: 33169439). ClinVar contains an entry for this variant (Variation ID: 630469). An algorithm developed to predict the effect of missense changes on protein structure and function outputs the following: PolyPhen-2: "Benign". The leucine amino acid residue is found in multiple mammalian species, which suggests that this missense change does not adversely affect protein function. Experimental studies have shown that this missense change affects PALB2 function (PMID: 33169439). In summary, the available evidence is currently insufficient to determine the role of this variant in disease. Therefore, it has been classified as a Variant of Uncertain Significance.

Mendelics
Classification: Uncertain significance for Hereditary cancer. Last evaluated: 2024-01-23. Review status: criteria provided, single submitter. Criteria: ACMG Guidelines, 2015. Collection method: clinical testing. Allele origin: unknown.

Ambry Genetics
Classification: Uncertain significance for Hereditary cancer-predisposing syndrome. Last evaluated: 2023-12-06. Review status: criteria provided, single submitter. Criteria: Ambry Variant Classification Scheme 2023. Collection method: clinical testing. Allele origin: germline.
Comment: The p.S64L variant (also known as c.191C>T), located in coding exon 3 of the PALB2 gene, results from a C to T substitution at nucleotide position 191. The serine at codon 64 is replaced by leucine, an amino acid with dissimilar properties. This alteration was identified in an individual with a personal and family history of pancreatic cancer (Zhang Y et al. Hum Mutat, 2021 Feb;42:150-163). Functional studies showed reduced recruitment of PALB2 and RAD51 to nuclear foci and reduced HR activity (Zhang Y et al. Hum Mutat, 2021 02;42:150-163). This amino acid position is not well conserved in available vertebrate species. In addition, this alteration is predicted to be tolerated by in silico analysis. Since supporting evidence is limited at this time, the clinical significance of this alteration remains unclear.

Baylor Genetics
Classification: Uncertain significance for Familial cancer of breast. Last evaluated: 2023-11-17. Review status: criteria provided, single submitter. Criteria: ACMG Guidelines, 2015. Collection method: clinical testing. Allele origin: unknown.

PreventionGenetics, part of Exact Sciences
Classification: Uncertain significance for PALB2-related condition. Last evaluated: 2023-04-27. Review status: criteria provided, single submitter. Criteria: ACMG Guidelines, 2015. Collection method: clinical testing. Allele origin: germline.
Comment: The PALB2 c.191C>T variant is predicted to result in the amino acid substitution p.Ser64Leu. This variant has been reported in an individual with familial pancreatic cancer (Zhang et al. 2021. PubMed ID: 33169439). In vitro experimental studies suggest this variant impacts PALB2 DNA damage responses, but does not impact PALB2 protein-protein interactions (Zhang et al. 2021. PubMed ID: 33169439). This variant has not been reported in a large population database, indicating this variant is rare. It has conflicting interpretations of likely pathogenic and uncertain significance in ClinVar. At this time, the clinical significance of this variant is uncertain due to the absence of conclusive functional and genetic evidence.

Color Diagnostics, LLC DBA Color Health
Classification: Uncertain significance for Hereditary cancer-predisposing syndrome. Last evaluated: 2019-02-13. Review status: criteria provided, single submitter. Criteria: ACMG Guidelines, 2015. Collection method: clinical testing. Allele origin: germline.

Literature cited by the submitters: PubMed 33169439 (cited by Labcorp Genetics (formerly Invitae), Labcorp and Ambry Genetics).

NM_024675.4(PALB2):c.191C>T (p.Ser64Leu)

Gene: PALB2 (partner and localizer of BRCA2; minus strand). Cytogenetic location: 16p12.2.
Variant type: single nucleotide variant.
Coding change: c.191C>T on transcript NM_024675.4 (MANE Select); coding-DNA position 191, C replaced by T.
Protein change: p.Ser64Leu; replaces serine 64 with leucine.
Molecular consequence: missense variant.
Genome position (GRCh38, 1-based): chr16:23,637,870, G>A on the plus strand (C>T on the coding strand, the complement: PALB2 is on the minus strand). VCF-style: chr16-23637870-G-A. GRCh37 (hg19) VCF-style: chr16-23649191-G-A.
Other names: short protein forms S64L.
Identifiers: ClinVar variation 630469 (VCV000630469.19), dbSNP rs1567223942, ClinGen allele CA395139042.